The following is an entry in ClinVar:

ClinVar aggregate classification (germline): Uncertain significance (1 of 4 stars; one submission).

Conditions:
Chédiak-Higashi syndrome (CHS). Also called: Chediak-Higashi Syndrome. Identifiers: Orphanet 167, MedGen C0007965, MONDO:0008963, OMIM 214500.

Allele frequency attached by ClinVar (database versions not stated): ExAC 0.00001; TOPMed 0.00001.
gnomAD v4.1: 4 of 1,613,522 alleles (0.00025%); highest among the groups gnomAD compares: Admixed American, 0.0017%; no homozygotes.

Submission:

Labcorp Genetics (formerly Invitae), Labcorp
Classification: Uncertain significance for Chédiak-Higashi syndrome. Last evaluated: 2022-03-04. Review status: criteria provided, single submitter. Criteria: Invitae Variant Classification Sherloc (09022015). Collection method: clinical testing. Allele origin: germline.
Comment: This sequence change replaces threonine, which is neutral and polar, with isoleucine, which is neutral and non-polar, at codon 3116 of the LYST protein (p.Thr3116Ile). This variant is present in population databases (rs769152918, gnomAD 0.004%). This variant has not been reported in the literature in individuals affected with LYST-related conditions. Algorithms developed to predict the effect of missense changes on protein structure and function (SIFT, PolyPhen-2, Align-GVGD) all suggest that this variant is likely to be tolerated. In summary, the available evidence is currently insufficient to determine the role of this variant in disease. Therefore, it has been classified as a Variant of Uncertain Significance.

NM_000081.4(LYST):c.9347C>T (p.Thr3116Ile)

Gene: LYST (lysosomal trafficking regulator; minus strand). Cytogenetic location: 1q42.3.
Variant type: single nucleotide variant.
Coding change: c.9347C>T on transcript NM_000081.4 (MANE Select); coding-DNA position 9347, C replaced by T.
Protein change: p.Thr3116Ile; replaces threonine 3116 with isoleucine.
Molecular consequence: missense variant.
Genome position (GRCh38, 1-based): chr1:235,720,874, G>A on the plus strand (C>T on the coding strand, the complement: LYST is on the minus strand). VCF-style: chr1-235720874-G-A. GRCh37 (hg19) VCF-style: chr1-235884174-G-A.
Other names: c.9347C>T, p.Thr3116Ile (NM_001301365.1); short protein forms T3116I.
Identifiers: ClinVar variation 2199052 (VCV002199052.1), dbSNP rs769152918, ClinGen allele CA1465602.